The following is an entry in ClinVar:

ClinVar aggregate classification (germline): Uncertain significance (1 of 4 stars; one submission).

Allele frequency attached by ClinVar (database versions not stated): gnomAD exomes below 0.00001; ExAC 0.00001; gnomAD 0.00001.
gnomAD v4.1: 4 of 1,582,566 alleles (0.00025%); highest among the groups gnomAD compares: Non-Finnish European, 0.00034%; no homozygotes.

Submission:

Labcorp Genetics (formerly Invitae), Labcorp
Classification: Uncertain significance. Last evaluated: 2022-07-15. Review status: criteria provided, single submitter. Criteria: Invitae Variant Classification Sherloc (09022015). Collection method: clinical testing. Allele origin: germline.
Comment: In summary, the available evidence is currently insufficient to determine the role of this variant in disease. Therefore, it has been classified as a Variant of Uncertain Significance. Algorithms developed to predict the effect of missense changes on protein structure and function are either unavailable or do not agree on the potential impact of this missense change (SIFT: "Deleterious"; PolyPhen-2: "Possibly Damaging"; Align-GVGD: "Class C0"). This variant has not been reported in the literature in individuals affected with TBCK-related conditions. This variant is present in population databases (rs774327651, gnomAD 0.0009%). This sequence change replaces leucine, which is neutral and non-polar, with valine, which is neutral and non-polar, at codon 428 of the TBCK protein (p.Leu428Val).

NM_001163435.3(TBCK):c.1282T>G (p.Leu428Val)

Gene: TBCK (TBC1 domain containing kinase; minus strand). Cytogenetic location: 4q24.
Variant type: single nucleotide variant.
Coding change: c.1282T>G on transcript NM_001163435.3 (MANE Select); coding-DNA position 1282, T replaced by G.
Protein change: p.Leu428Val; replaces leucine 428 with valine.
Molecular consequence: missense variant.
Genome position (GRCh38, 1-based): chr4:106,236,458, A>C on the plus strand (T>G on the coding strand, the complement: TBCK is on the minus strand). VCF-style: chr4-106236458-A-C. GRCh37 (hg19) VCF-style: chr4-107157615-A-C.
Other names: c.1282T>G, p.Leu428Val (NM_001163436.4); c.1165T>G, p.Leu389Val (NM_001163437.3); c.766T>G, p.Leu256Val (NM_001290768.2); c.1093T>G, p.Leu365Val (NM_033115.5); short protein forms L256V, L365V, L389V, L428V.
Identifiers: ClinVar variation 1713608 (VCV001713608.5), dbSNP rs774327651, ClinGen allele CA3035118.